The following is an entry in ClinVar:

ClinVar aggregate classification (germline): Pathogenic. Review status: criteria provided, multiple submitters, no conflicts (2 of 4 stars). 2 submissions from 2 submitters: Pathogenic (2). Last evaluated 2023-08-04.

Submissions (2):

Labcorp Genetics (formerly Invitae), Labcorp
Classification: Pathogenic. Last evaluated: 2023-08-04. Review status: criteria provided, single submitter. Criteria: Invitae Variant Classification Sherloc (09022015). Collection method: clinical testing. Allele origin: germline.
Comment: For these reasons, this variant has been classified as Pathogenic. Advanced modeling of protein sequence and biophysical properties (such as structural, functional, and spatial information, amino acid conservation, physicochemical variation, residue mobility, and thermodynamic stability) performed at Invitae indicates that this missense variant is expected to disrupt NOTCH3 protein function. ClinVar contains an entry for this variant (Variation ID: 447808). This missense change has been observed in individuals with clinical features of cerebral arteriopathy with subcortical infarcts and leukoencephalopathy and lateral meningocele syndrome (PMID: 12146805, 12395806, 15229130; Invitae). This variant is not present in population databases (gnomAD no frequency). This sequence change replaces cysteine, which is neutral and slightly polar, with arginine, which is basic and polar, at codon 76 of the NOTCH3 protein (p.Cys76Arg).

Athena Diagnostics
Classification: Pathogenic. Last evaluated: 2016-12-01. Review status: criteria provided, single submitter. Criteria: Athena Diagnostics Criteria. Collection method: clinical testing. Allele origin: germline.

Literature cited by the submitters: PubMed 12146805 (cited by Labcorp Genetics (formerly Invitae), Labcorp); PubMed 12395806 (cited by Labcorp Genetics (formerly Invitae), Labcorp); PubMed 15229130 (cited by Labcorp Genetics (formerly Invitae), Labcorp and Athena Diagnostics).

NM_000435.3(NOTCH3):c.226T>C (p.Cys76Arg)

Gene: NOTCH3 (notch receptor 3; minus strand). Cytogenetic location: 19p13.12.
Variant type: single nucleotide variant.
Coding change: c.226T>C on transcript NM_000435.3 (MANE Select); coding-DNA position 226, T replaced by C.
Protein change: p.Cys76Arg; replaces cysteine 76 with arginine.
Molecular consequence: missense variant.
Genome position (GRCh38, 1-based): chr19:15,192,491, A>G on the plus strand (T>C on the coding strand, the complement: NOTCH3 is on the minus strand). VCF-style: chr19-15192491-A-G. GRCh37 (hg19) VCF-style: chr19-15303302-A-G.
Other names: short protein forms C76R.
Identifiers: ClinVar variation 447808 (VCV000447808.8), dbSNP rs1555729610, ClinGen allele CA404535145.
Genomic context (GRCh38, chr19:15,192,491, plus strand): 5'-AACTCTGGCAGACACCACGGCCAGCACAGGGGCCTGAGTGACAGGGGTCCTCCAGCTGAC[A>G]CCGCTCACCCACCCAGCCAGGCGGGCACCTGTGGGCAGAGATGGCTTGGTTGGGCAGCAC-3'
Protein context (NP_000426.2, residues 66-86): LCPPGWVGER[Cys76Arg]QLEDPCHSGP